The following is an entry in ClinVar:

ClinVar aggregate classification (germline): Pathogenic (1 of 4 stars; one submission).

Submission:

Labcorp Genetics (formerly Invitae), Labcorp
Classification: Pathogenic. Last evaluated: 2024-01-08. Review status: criteria provided, single submitter. Criteria: Invitae Variant Classification Sherloc (09022015). Collection method: clinical testing. Allele origin: unknown.
Comment: This variant results in the deletion of exon 24 and part of exon 25 (c.3259-369_3611delinsCCC) of the ABCC2 gene. It is expected to disrupt RNA splicing. Variants that disrupt the donor or acceptor splice site typically lead to a loss of protein function (PMID: 16199547), and loss-of-function variants in ABCC2 are known to be pathogenic (PMID: 9185779, 16549534, 16952291). This variant has not been reported in the literature in individuals affected with ABCC2-related conditions. This variant disrupts a region of the ABCC2 protein in which other variant(s) (p.Arg1150His) have been determined to be pathogenic (PMID: 11477083). This suggests that this is a clinically significant region of the protein, and that variants that disrupt it are likely to be disease-causing. For these reasons, this variant has been classified as Pathogenic.

Literature cited by the submitters: PubMed 16199547; PubMed 9185779; PubMed 16549534; PubMed 16952291; PubMed 11477083.

NC_000010.10:g.(?_101593768)_(101596044_?)del

Gene: ABCC2 (ATP binding cassette subfamily C member 2; plus strand). Cytogenetic location: 10q24.2.
Variant type: Deletion.
Identifiers: ClinVar variation 3244950 (VCV003244950.1).